The following is an entry in ClinVar:

ClinVar aggregate classification (germline): Uncertain significance (1 of 4 stars; one submission).

Submission:

GeneDx
Classification: Uncertain significance. Last evaluated: 2023-10-28. Review status: criteria provided, single submitter. Criteria: GeneDx Variant Classification Process June 2021. Collection method: clinical testing. Allele origin: germline. Affected: yes.
Comment: Not observed at significant frequency in large population cohorts (gnomAD); In silico analysis supports that this missense variant does not alter protein structure/function; Has not been previously published as pathogenic or benign to our knowledge

NM_001256715.2(DNAAF3):c.1382C>A (p.Ala461Asp)

Gene: DNAAF3 (dynein axonemal assembly factor 3; minus strand). Cytogenetic location: 19q13.42.
Variant type: single nucleotide variant.
Coding change: c.1382C>A on transcript NM_001256715.2 (MANE Select); coding-DNA position 1382, C replaced by A.
Protein change: p.Ala461Asp; replaces alanine 461 with aspartic acid.
Molecular consequence: missense variant.
Genome position (GRCh38, 1-based): chr19:55,159,306, G>T on the plus strand (C>A on the coding strand, the complement: DNAAF3 is on the minus strand). VCF-style: chr19-55159306-G-T. GRCh37 (hg19) VCF-style: chr19-55670674-G-T.
Other names: c.1583C>A, p.Ala528Asp (NM_001256714.1); c.1220C>A, p.Ala407Asp (NM_001256716.2); c.1523C>A, p.Ala508Asp (NM_178837.4); short protein forms A407D, A461D, A508D, A528D.
Identifiers: ClinVar variation 3363575 (VCV003363575.1).